The following is an entry in ClinVar:

ClinVar aggregate classification (germline): Uncertain significance (1 of 4 stars; one submission).

Conditions:
Idiopathic generalized epilepsy. Also called: Generalised epilepsy; EIG. Identifiers: MedGen C0270850, MONDO:0005579, OMIM 600669.
Hyperaldosteronism, familial, type IV (HALD4). Also called: FH IV; ALDOSTERONISM, PRIMARY, AND HYPERTENSION. Identifiers: Orphanet 642671, MedGen C4310756, MONDO:0014875, OMIM 617027.

Allele frequency attached by ClinVar (database versions not stated): gnomAD 0.00001; gnomAD exomes 0.00001 and 0.00002; ExAC 0.00002; TOPMed 0.00005.
gnomAD v4.1: 23 of 1,449,294 alleles (0.0016%); highest among the groups gnomAD compares: South Asian, 0.0045%; no homozygotes.

Submission:

Labcorp Genetics (formerly Invitae), Labcorp
Classification: Uncertain significance for Idiopathic generalized epilepsy; Hyperaldosteronism, familial, type IV. Last evaluated: 2021-06-13. Review status: criteria provided, single submitter. Criteria: Invitae Variant Classification Sherloc (09022015). Collection method: clinical testing. Allele origin: germline.
Comment: This sequence change replaces arginine with cysteine at codon 1724 of the CACNA1H protein (p.Arg1724Cys). The arginine residue is highly conserved and there is a large physicochemical difference between arginine and cysteine. This variant is present in population databases (rs771688999, ExAC 0.02%). This variant has not been reported in the literature in individuals with CACNA1H-related conditions. Algorithms developed to predict the effect of missense changes on protein structure and function (SIFT, PolyPhen-2, Align-GVGD) all suggest that this variant is likely to be disruptive, but these predictions have not been confirmed by published functional studies and their clinical significance is uncertain. In summary, the available evidence is currently insufficient to determine the role of this variant in disease. Therefore, it has been classified as a Variant of Uncertain Significance.

NM_021098.3(CACNA1H):c.5170C>T (p.Arg1724Cys)

Gene: CACNA1H (calcium voltage-gated channel subunit alpha1 H; plus strand). Cytogenetic location: 16p13.3.
Variant type: single nucleotide variant.
Coding change: c.5170C>T on transcript NM_021098.3 (MANE Select); coding-DNA position 5170, C replaced by T.
Protein change: p.Arg1724Cys; replaces arginine 1724 with cysteine.
Molecular consequence: missense variant.
Genome position (GRCh38, 1-based): chr16:1,215,372, C>T. VCF-style: chr16-1215372-C-T. GRCh37 (hg19) VCF-style: chr16-1265372-C-T.
Other names: c.5152C>T, p.Arg1718Cys (NM_001005407.2); short protein forms R1718C, R1724C.
Identifiers: ClinVar variation 1399680 (VCV001399680.8), dbSNP rs771688999, ClinGen allele CA7801815.